The following is an entry in ClinVar:

ClinVar aggregate classification (germline): Likely pathogenic (1 of 4 stars; one submission).

Conditions:
Hereditary cancer-predisposing syndrome. Also called: Hereditary Cancer Syndrome; Hereditary neoplastic syndrome; Neoplastic Syndromes, Hereditary; Tumor predisposition. Identifiers: Orphanet 140162, MedGen C0027672, MeSH D009386, MONDO:0015356.

Submission:

Ambry Genetics
Classification: Likely pathogenic for Hereditary cancer-predisposing syndrome. Last evaluated: 2022-06-06. Review status: criteria provided, single submitter. Criteria: Ambry Variant Classification Scheme 2023. Collection method: clinical testing. Allele origin: germline.
Comment: The c.1348-1G>T intronic variant results from a G to T substitution one nucleotide upstream from coding exon 10 of the PTCH1 gene. This alteration has been observed in at least one individual with a personal and/or family history that is consistent with PTCH1-related disease (Ambry internal data). This nucleotide position is highly conserved in available vertebrate species. In silico splice site analysis predicts that this alteration will weaken the native splice acceptor site and will result in the creation or strengthening of a novel splice acceptor site. RNA studies have demonstrated that this alteration results in abnormal splicing in the set of samples tested (Ambry internal data). This variant is considered to be rare based on population cohorts in the Genome Aggregation Database (gnomAD). Alterations that disrupt the canonical splice site are expected to cause aberrant splicing, resulting in an abnormal protein or a transcript that is subject to nonsense-mediated mRNA decay. As such, this alteration is classified as likely pathogenic.

NM_000264.5(PTCH1):c.1348-1G>T

Gene: PTCH1 (patched 1; minus strand). Cytogenetic location: 9q22.32.
Variant type: single nucleotide variant.
Coding change: c.1348-1G>T on transcript NM_000264.5 (MANE Select); the canonical splice acceptor site of the intron before coding-DNA position 1348, G replaced by T.
Molecular consequence: splice acceptor variant. On other transcripts: intron variant (1).
Genome position (GRCh38, 1-based): chr9:95,477,703, C>A on the plus strand (G>T on the coding strand, the complement: PTCH1 is on the minus strand). VCF-style: chr9-95477703-C-A. GRCh37 (hg19) VCF-style: chr9-98239985-C-A.
Other names: c.1345-1G>T (NM_001083603.3); c.1150-1G>T (NM_001083602.3); c.1347+352G>T (NM_001354918.2); c.895-1G>T (NM_001083605.3, NM_001083604.3, NM_001083606.3 and 1 more transcripts).
Identifiers: ClinVar variation 1770514 (VCV001770514.3), dbSNP rs1841170844, ClinGen allele CA374118687.